The following is an entry in ClinVar:

ClinVar aggregate classification (germline): Uncertain significance (1 of 4 stars; one submission).

Submission:

Labcorp Genetics (formerly Invitae), Labcorp
Classification: Uncertain significance. Last evaluated: 2025-02-18. Review status: criteria provided, single submitter. Criteria: Invitae Variant Classification Sherloc (09022015). Collection method: clinical testing. Allele origin: germline.
Comment: This sequence change creates a premature translational stop signal (p.Leu171Profs*38) in the MICAL1 gene. It is expected to result in an absent or disrupted protein product. However, the current clinical and genetic evidence is not sufficient to establish whether loss-of-function variants in MICAL1 cause disease. This variant is present in population databases (no rsID available, gnomAD 0.01%). This variant has not been reported in the literature in individuals affected with MICAL1-related conditions. ClinVar contains an entry for this variant (Variation ID: 1913025). In summary, the available evidence is currently insufficient to determine the role of this variant in disease. Therefore, it has been classified as a Variant of Uncertain Significance.

NM_022765.4(MICAL1):c.454dup (p.Leu152fs)

Gene: MICAL1 (microtubule associated monooxygenase, calponin and LIM domain containing 1; minus strand). Cytogenetic location: 6q21.
Variant type: Duplication.
Coding change: c.454dup on transcript NM_022765.4 (MANE Select); coding-DNA position 454, one base duplicated (C; older notation c.454dupC).
Protein change: p.Leu152fs; shifts the reading frame from leucine 152.
Molecular consequence: frameshift variant.
Genome position (GRCh38, 1-based): chr6:109,453,650, G duplicated on the plus strand (C on the coding strand, the reverse complement: MICAL1 is on the minus strand); the first of 3 consecutive G bases (chr6:109,453,650-109,453,652); duplicating any one gives the same sequence. VCF-style (leftmost placement, unchanged base first): chr6-109453649-A-AG. GRCh37 (hg19) VCF-style: chr6-109774852-A-AG.
Other names: c.454dup, p.Leu152fs (NM_001159291.2); c.511dup, p.Leu171fs (NM_001286613.2); short protein forms L152fs, L171fs.
Identifiers: ClinVar variation 1913025 (VCV001913025.5), dbSNP rs1391656540, ClinGen allele CA569582424.